The following is an entry in ClinVar:

ClinVar aggregate classification (germline): Likely benign. Review status: criteria provided, multiple submitters, no conflicts (2 of 4 stars). 5 submissions from 5 submitters: Likely benign (3). 2 of the submissions do not count toward it. Last evaluated 2025-11-22.

Allele frequency attached by ClinVar (database versions not stated): ExAC 0.00021; gnomAD exomes 0.00025 and 0.00031; ESP Exome Variant Server 0.00031; 1000 Genomes Project 0.00040; gnomAD 0.00040 and 0.00042; TOPMed 0.00042; 1000 Genomes Project 30x 0.00047.
gnomAD v4.1: 452 of 1,613,420 alleles (0.028%); highest among the groups gnomAD compares: Middle Eastern, 0.28%; 1 homozygote.

Submissions (5):

Labcorp Genetics (formerly Invitae), Labcorp
Classification: Likely benign. Last evaluated: 2025-11-22. Review status: criteria provided, single submitter. Criteria: Invitae Variant Classification Sherloc (09022015). Collection method: clinical testing. Allele origin: germline.

Women's Health and Genetics/Laboratory Corporation of America, LabCorp
Classification: Likely benign. Last evaluated: 2025-11-18. Review status: criteria provided, single submitter. Criteria: LabCorp Variant Classification Summary - May 2015. Collection method: clinical testing. Allele origin: germline.

Mayo Clinic Laboratories, Mayo Clinic
Classification: Likely benign. Last evaluated: 2025-09-30. Review status: criteria provided, single submitter. Criteria: ACMG Guidelines, 2015. Collection method: clinical testing. Allele origin: germline. Observed: 2 variant alleles.
Comment: BS1, BP4, BP7

Clinical Genetics DNA and cytogenetics Diagnostics Lab, Erasmus MC, Erasmus Medical Center
Classification: Likely benign. Review status: no assertion criteria provided. Collection method: clinical testing. Allele origin: germline. Affected: yes. Study: VKGL Data-share Consensus. Not counted in ClinVar's aggregate classification.

Genome Diagnostics Laboratory, Amsterdam University Medical Center
Classification: Likely benign. Review status: no assertion criteria provided. Collection method: clinical testing. Allele origin: germline. Affected: yes. Study: VKGL Data-share Consensus. Not counted in ClinVar's aggregate classification.

NM_005235.3(ERBB4):c.1024T>C (p.Leu342=)

Gene: ERBB4 (erb-b2 receptor tyrosine kinase 4; minus strand). Cytogenetic location: 2q34.
Variant type: single nucleotide variant.
Coding change: c.1024T>C on transcript NM_005235.3 (MANE Select); coding-DNA position 1024, T replaced by C.
Protein change: p.Leu342=; no amino-acid change (leucine 342 retained).
Molecular consequence: synonymous variant.
Genome position (GRCh38, 1-based): chr2:211,712,150, A>G on the plus strand (T>C on the coding strand, the complement: ERBB4 is on the minus strand). VCF-style: chr2-211712150-A-G. GRCh37 (hg19) VCF-style: chr2-212576875-A-G.
Other names: p.Leu342=; c.1024T>C, p.Leu342= (NM_001042599.2).
Identifiers: ClinVar variation 721528 (VCV000721528.13), dbSNP rs148466450, ClinGen allele CA2088254.
Genomic context (GRCh38, chr2:211,712,150, plus strand): 5'-TCTTGGTACAGTTTATGAATTTGTCAATGTTACTGGAATCCACAGTCTGAGCTGACATCA[A>G]TGATCCTGTGCCAATGCCATCACAAGCTGTAGAAACAAGACTCAGAGTTAGGGGATTGAG-3'
Protein context (NP_005226.1, residues 332-352): KACDGIGTGS[Leu342=]MSAQTVDSSN